The following is an entry in ClinVar:

NM_000540.3(RYR1):c.3209G>A (p.Arg1070Gln)

Gene: RYR1 (ryanodine receptor 1; plus strand). Cytogenetic location: 19q13.2.
Variant type: single nucleotide variant.
Coding change: c.3209G>A on transcript NM_000540.3 (MANE Select); coding-DNA position 3209, G replaced by A.
Protein change: p.Arg1070Gln; replaces arginine 1070 with glutamine.
Molecular consequence: missense variant.
Genome position (GRCh38, 1-based): chr19:38,467,640, G>A. VCF-style: chr19-38467640-G-A. GRCh37 (hg19) VCF-style: chr19-38958280-G-A.
Other names: c.3209G>A, p.Arg1070Gln (NM_001042723.2); short protein forms R1070Q.
Identifiers: ClinVar variation 951966 (VCV000951966.9), dbSNP rs777962787, ClinGen allele CA064532.

ClinVar aggregate classification (germline): Uncertain significance. Review status: criteria provided, multiple submitters, no conflicts (2 of 4 stars). 4 submissions from 4 submitters: Uncertain significance (4). Last evaluated 2023-12-18.

Conditions:
Malignant hyperthermia, susceptibility to, 1 (MHS1). Also called: RYR1-Related Malignant Hyperthermia Susceptibility; Malignant hyperthermia suceptibility 1; Anesthesia related hyperthermia; Malignant hyperpyrexia; Fulminating hyperpyrexia; Pharmacogenic myopathy. Identifiers: Orphanet 423, MedGen C2930980, MONDO:0007783, OMIM 145600.
RYR1-related disorder. Also called: RYR1-related condition; RYR1-related disorders. Identifiers: MedGen CN239331.

Allele frequency attached by ClinVar (database versions not stated): gnomAD exomes 0.00001 and 0.00002; ExAC 0.00002; TOPMed 0.00002; gnomAD 0.00004.
gnomAD v4.1: 20 of 1,614,086 alleles (0.0012%); highest among the groups gnomAD compares: Middle Eastern, 0.016%; no homozygotes.

Submissions (4):

All of Us Research Program, National Institutes of Health
Classification: Uncertain significance for Malignant hyperthermia, susceptibility to, 1. Last evaluated: 2023-12-18. Review status: criteria provided, single submitter. Criteria: ACMG Guidelines, 2015. Collection method: clinical testing. Allele origin: germline. Inheritance: Autosomal dominant inheritance. Observed: 3 variant alleles, 3 heterozygotes.
Comment: This missense variant replaces arginine with glutamine at codon 1070 of the RYR1 protein. Computational prediction is inconclusive regarding the impact of this variant on protein structure and function (internally defined REVEL score threshold 0.5 < inconclusive < 0.7, PMID: 27666373). To our knowledge, functional studies have not been reported for this variant. This variant has not been reported in individuals affected with RYR1-related disorders in the literature. This variant has been identified in 7/282880 chromosomes in the general population by the Genome Aggregation Database (gnomAD). The available evidence is insufficient to determine the role of this variant in disease conclusively. Therefore, this variant is classified as a Variant of Uncertain Significance.

This study involves interpretation of variants in research participants for the purpose of population health screening. Participant phenotype was not available at the time of variant classification. Additional details can be found in publication PMID: 35346344, PMCID: PMC8962531

Color Diagnostics, LLC DBA Color Health
Classification: Uncertain significance for Malignant hyperthermia, susceptibility to, 1. Last evaluated: 2023-11-22. Review status: criteria provided, single submitter. Criteria: ACMG Guidelines, 2015. Collection method: clinical testing. Allele origin: germline.
Comment: This missense variant replaces arginine with glutamine at codon 1070 of the RYR1 protein. Computational prediction is inconclusive regarding the impact of this variant on protein structure and function. To our knowledge, functional studies have not been reported for this variant. This variant has not been reported in individuals affected with RYR1-related disorders in the literature. This variant has been identified in 7/282880 chromosomes in the general population by the Genome Aggregation Database (gnomAD). The available evidence is insufficient to determine the role of this variant in disease conclusively. Therefore, this variant is classified as a Variant of Uncertain Significance.

PreventionGenetics, part of Exact Sciences
Classification: Uncertain significance for RYR1-related condition. Last evaluated: 2022-11-11. Review status: criteria provided, single submitter. Criteria: ACMG Guidelines, 2015. Collection method: clinical testing. Allele origin: germline.
Comment: The RYR1 c.3209G>A variant is predicted to result in the amino acid substitution p.Arg1070Gln. To our knowledge, this variant has not been reported in the literature. This variant is reported in 0.012% of alleles in individuals of African descent in gnomAD. At this time, the clinical significance of this variant is uncertain due to the absence of conclusive functional and genetic evidence.

Labcorp Genetics (formerly Invitae), Labcorp
Classification: Uncertain significance for RYR1-related disorder. Last evaluated: 2022-07-26. Review status: criteria provided, single submitter. Criteria: Invitae Variant Classification Sherloc (09022015). Collection method: clinical testing. Allele origin: germline.
Comment: This sequence change replaces arginine, which is basic and polar, with glutamine, which is neutral and polar, at codon 1070 of the RYR1 protein (p.Arg1070Gln). This variant is present in population databases (rs777962787, gnomAD 0.008%). This variant has not been reported in the literature in individuals affected with RYR1-related conditions. ClinVar contains an entry for this variant (Variation ID: 951966). Advanced modeling of protein sequence and biophysical properties (such as structural, functional, and spatial information, amino acid conservation, physicochemical variation, residue mobility, and thermodynamic stability) performed at Invitae indicates that this missense variant is not expected to disrupt RYR1 protein function. Algorithms developed to predict the effect of sequence changes on RNA splicing suggest that this variant may create or strengthen a splice site. In summary, the available evidence is currently insufficient to determine the role of this variant in disease. Therefore, it has been classified as a Variant of Uncertain Significance.